The following is an entry in ClinVar:

NM_176810.2(NLRP13):c.2112-290T>G

Gene: NLRP13 (NLR family pyrin domain containing 13; minus strand). Cytogenetic location: 19q13.43.
Variant type: single nucleotide variant.
Coding change: c.2112-290T>G on transcript NM_176810.2 (MANE Select); 290 bases into the intron before coding-DNA position 2112, T replaced by G.
Molecular consequence: intron variant.
Genome position (GRCh38, 1-based): chr19:55,911,023, A>C on the plus strand (T>G on the coding strand, the complement: NLRP13 is on the minus strand). VCF-style: chr19-55911023-A-C. GRCh37 (hg19) VCF-style: chr19-56422389-A-C.
Other names: c.2112-290T>G (NM_001321057.1).
Identifiers: ClinVar variation 103308 (VCV000103308.2), dbSNP rs199476253, ClinGen allele CA230396.

ClinVar aggregate classification (germline): not provided (0 of 4 stars; one submission).

Allele frequency attached by ClinVar (database versions not stated): TOPMed below 0.00001; gnomAD 0.00001.
gnomAD v4.1: 2 of 152,164 alleles (0.0013%); highest among the groups gnomAD compares: African/African-American, 0.0048%; no homozygotes.

Submission:

Human Evolutionary Genetics, Institut Pasteur
No classification provided. Review status: no classification provided. Collection method: not provided. Allele origin: germline.
ClinVar note: Converted during submission from untested to not provided.